The following is an entry in ClinVar:

ClinVar aggregate classification (germline): Likely benign (1 of 4 stars; one submission).

Conditions:
SEMA3C-related disorder. Also called: SEMA3C-related condition.

gnomAD v4.1: 2 of 1,613,560 alleles (0.00012%); highest among the groups gnomAD compares: African/African-American, 0.0013%; no homozygotes.

Submission:

PreventionGenetics, part of Exact Sciences
Classification: Likely benign for SEMA3C-related condition. Last evaluated: 2025-03-05. Review status: criteria provided, single submitter. Criteria: ACMG Guidelines, 2015. Collection method: clinical testing. Allele origin: germline.
Comment: This variant is classified as likely benign based on ACMG/AMP sequence variant interpretation guidelines (Richards et al. 2015 PMID: 25741868, with internal and published modifications).

NM_006379.5(SEMA3C):c.379T>C (p.Leu127=)

Gene: SEMA3C (semaphorin 3C; minus strand). Cytogenetic location: 7q21.11.
Variant type: single nucleotide variant.
Coding change: c.379T>C on transcript NM_006379.5 (MANE Select); coding-DNA position 379, T replaced by C.
Protein change: p.Leu127=; no amino-acid change (leucine 127 retained).
Molecular consequence: synonymous variant.
Genome position (GRCh38, 1-based): chr7:80,818,367, A>G on the plus strand (T>C on the coding strand, the complement: SEMA3C is on the minus strand). VCF-style: chr7-80818367-A-G. GRCh37 (hg19) VCF-style: chr7-80447683-A-G.
Other names: c.433T>C, p.Leu145= (NM_001350120.2); c.205T>C, p.Leu69= (NM_001350121.2).
Identifiers: ClinVar variation 4998455 (VCV004998455.1).